The following is an entry in ClinVar:

NM_000278.5(PAX2):c.1021+167C>T

Gene: PAX2 (paired box 2; plus strand). Cytogenetic location: 10q24.31.
Variant type: single nucleotide variant.
Coding change: c.1021+167C>T on transcript NM_000278.5 (MANE Select); 167 bases into the intron after coding-DNA position 1021, C replaced by T.
Molecular consequence: intron variant. On other transcripts: missense variant (1).
Genome position (GRCh38, 1-based): chr10:100,824,916, C>T. VCF-style: chr10-100824916-C-T. GRCh37 (hg19) VCF-style: chr10-102584673-C-T.
Other names: c.1036C>T, p.Pro346Ser (NM_003988.5); c.1114+167C>T (NM_001304569.2); c.1090+167C>T (NM_003987.5, NM_003990.5); c.1021+167C>T (NM_003989.5); short protein forms P346S.
Identifiers: ClinVar variation 2682638 (VCV002682638.4), dbSNP rs1187241878, ClinGen allele CA378259758.

ClinVar aggregate classification (germline): Uncertain significance. Review status: criteria provided, single submitter (1 of 4 stars). 2 submissions from 2 submitters: Uncertain significance (1). 1 of the submissions does not count toward it. Last evaluated 2024-06-03.

Conditions:
Focal segmental glomerulosclerosis 7 (FSGS7). Identifiers: Orphanet 656, MedGen C4014925, MONDO:0014451, OMIM 616002.
Renal coloboma syndrome (PAPRS). Also called: COLOBOMA OF OPTIC NERVE WITH RENAL DISEASE; CONGENITAL ANOMALIES OF THE KIDNEY AND URINARY TRACT WITH OR WITHOUT OCULAR ABNORMALITIES; PAPILLORENAL SYNDROME; OPTIC COLOBOMA, VESICOURETERAL REFLUX, AND RENAL ANOMALIES; OPTIC NERVE COLOBOMA WITH RENAL DISEASE; RENAL-COLOBOMA SYNDROME WITH MACULAR ABNORMALITIES. Identifiers: Orphanet 1475, MedGen C1852759, MONDO:0007352, OMIM 120330.

Allele frequency attached by ClinVar (database versions not stated): gnomAD 0.00001; gnomAD exomes 0.00001; TOPMed 0.00003.
gnomAD v4.1: 23 of 1,613,964 alleles (0.0014%); highest among the groups gnomAD compares: East Asian, 0.0022%; no homozygotes.

Submissions (2):

Labcorp Genetics (formerly Invitae), Labcorp
Classification: Uncertain significance for Renal coloboma syndrome; Focal segmental glomerulosclerosis 7. Last evaluated: 2024-06-03. Review status: criteria provided, single submitter. Criteria: Invitae Variant Classification Sherloc (09022015). Collection method: clinical testing. Allele origin: germline.
Comment: This sequence change replaces proline, which is neutral and non-polar, with serine, which is neutral and polar, at codon 346 of the PAX2 protein (p.Pro346Ser). This variant is not present in population databases (gnomAD no frequency). This variant has not been reported in the literature in individuals affected with PAX2-related conditions. An algorithm developed to predict the effect of missense changes on protein structure and function (PolyPhen-2) suggests that this variant is likely to be disruptive. In summary, the available evidence is currently insufficient to determine the role of this variant in disease. Therefore, it has been classified as a Variant of Uncertain Significance.

Razi Pathobiology & Medical Genetics
Classification: Benign for Renal coloboma syndrome. Last evaluated: 2023-12-28. Review status: no assertion criteria provided. Collection method: clinical testing. Allele origin: germline. Affected: yes. Not counted in ClinVar's aggregate classification.